The following is an entry in ClinVar:

NM_173551.5(ANKS6):c.2127C>T (p.Ser709=)

Gene: ANKS6 (ankyrin repeat and sterile alpha motif domain containing 6; minus strand). Cytogenetic location: 9q22.33.
Variant type: single nucleotide variant.
Coding change: c.2127C>T on transcript NM_173551.5 (MANE Select); coding-DNA position 2127, C replaced by T.
Protein change: p.Ser709=; no amino-acid change (serine 709 retained).
Molecular consequence: synonymous variant.
Genome position (GRCh38, 1-based): chr9:98,768,096, G>A on the plus strand (C>T on the coding strand, the complement: ANKS6 is on the minus strand). VCF-style: chr9-98768096-G-A. GRCh37 (hg19) VCF-style: chr9-101530378-G-A.
Other names: c.2127C>T (NM_173551.4).
Identifiers: ClinVar variation 2715297 (VCV002715297.4), dbSNP rs553135386, ClinGen allele CA5153255.

ClinVar aggregate classification (germline): Benign/Likely benign. Review status: criteria provided, multiple submitters, no conflicts (2 of 4 stars). 2 submissions from 2 submitters: Benign (1); Likely benign (1). Last evaluated 2025-12-14.

Conditions:
ANKS6-related disorder. Also called: ANKS6-related condition.
Nephronophthisis 16 (NPHP16). Identifiers: Orphanet 655, MedGen C3809320, MONDO:0014158, OMIM 615382.

Allele frequency attached by ClinVar (database versions not stated): TOPMed 0.00003; gnomAD 0.00011; 1000 Genomes Project 0.00060; 1000 Genomes Project 30x 0.00078.
gnomAD v4.1: 237 of 1,609,852 alleles (0.015%); highest among the groups gnomAD compares: South Asian, 0.21%; 2 homozygotes.

Submissions (2):

PreventionGenetics, part of Exact Sciences
Classification: Likely benign for ANKS6-related condition. Last evaluated: 2025-12-14. Review status: criteria provided, single submitter. Criteria: ACMG Guidelines, 2015. Collection method: clinical testing. Allele origin: germline.
Comment: This variant is classified as likely benign based on ACMG/AMP sequence variant interpretation guidelines (Richards et al. 2015 PMID: 25741868, with internal and published modifications).

Labcorp Genetics (formerly Invitae), Labcorp
Classification: Benign for Nephronophthisis 16. Last evaluated: 2024-05-10. Review status: criteria provided, single submitter. Criteria: Invitae Variant Classification Sherloc (09022015). Collection method: clinical testing. Allele origin: germline.